The following is an entry in ClinVar:

NM_201384.3(PLEC):c.174+22G>C

Gene: PLEC (plectin; minus strand). Cytogenetic location: 8q24.3.
Variant type: single nucleotide variant.
Coding change: c.174+22G>C on transcript NM_201384.3 (MANE Select); 22 bases into the intron after coding-DNA position 174, G replaced by C.
Molecular consequence: intron variant.
Genome position (GRCh38, 1-based): chr8:143,938,609, C>G on the plus strand (G>C on the coding strand, the complement: PLEC is on the minus strand). VCF-style: chr8-143938609-C-G. GRCh37 (hg19) VCF-style: chr8-145012777-C-G.
Other names: c.255+22G>C (NM_000445.5); c.132+22G>C (NM_201378.4); c.108+22G>C (NM_201379.3); c.585+22G>C (NM_201380.4); c.78+22G>C (NM_201381.3); c.174+22G>C (NM_201382.4); c.186+22G>C (NM_201383.3).
Identifiers: ClinVar variation 256171 (VCV000256171.5), dbSNP rs7823393, ClinGen allele CA4928612.

ClinVar aggregate classification (germline): Benign. Review status: criteria provided, multiple submitters, no conflicts (2 of 4 stars). 8 submissions from 4 submitters: Benign (8). Last evaluated 2021-10-25.

Conditions:
Epidermolysis bullosa simplex with nail dystrophy (EBS5D). Identifiers: MedGen C4225309, MONDO:0014661, OMIM 616487.
Autosomal recessive limb-girdle muscular dystrophy type 2Q (LGMDR17). Also called: MUSCULAR DYSTROPHY, LIMB-GIRDLE, AUTOSOMAL RECESSIVE 17. Identifiers: Orphanet 254361, MedGen C3150989, MONDO:0013390, OMIM 613723.
Epidermolysis bullosa simplex 5B, with muscular dystrophy (EBS5B). Also called: Epidermolysis bullosa simplex with muscular dystrophy; EPIDERMOLYSIS BULLOSA SIMPLEX AND LIMB-GIRDLE MUSCULAR DYSTROPHY. Identifiers: Orphanet 257, MedGen C2931072, MONDO:0009181, OMIM 226670.
Epidermolysis bullosa simplex 5C, with pyloric atresia (EBS5C). Also called: Epidermolysis bullosa simplex with pyloric atresia; PLEC-Related Epidermolysis Bullosa with Pyloric Atresia; PLEC1-Related Epidermolysis Bullosa with Pyloric Atresia. Identifiers: Orphanet 158684, MedGen C2677349, MONDO:0012807, OMIM 612138.
Epidermolysis bullosa simplex, Ogna type (EBS5A). Also called: Pidermolysis bullosa simplex 5A, Ogna type; EPIDERMOLYSIS BULLOSA SIMPLEX 5A, OGNA TYPE. Identifiers: Orphanet 79401, MedGen C0432317, MONDO:0007555, OMIM 131950.

Allele frequency attached by ClinVar (database versions not stated): 1000 Genomes Project 30x 0.22923; 1000 Genomes Project 0.23043; TOPMed 0.28684; ESP Exome Variant Server 0.29434.
gnomAD v4.1: 590,713 of 1,610,558 alleles (37%); highest among the groups gnomAD compares: Non-Finnish European, 40%; 113,874 homozygotes.

Submissions (8):

Genome-Nilou Lab
Classification: Benign for Epidermolysis bullosa simplex with nail dystrophy. Last evaluated: 2021-10-25. Review status: criteria provided, single submitter. Criteria: ACMG Guidelines, 2015. Collection method: clinical testing. Allele origin: germline. Affected: no.

Genome-Nilou Lab
Classification: Benign for Epidermolysis bullosa simplex, Ogna type. Last evaluated: 2021-10-25. Review status: criteria provided, single submitter. Criteria: ACMG Guidelines, 2015. Collection method: clinical testing. Allele origin: germline. Affected: no.

Genome-Nilou Lab
Classification: Benign for Epidermolysis bullosa simplex 5B, with muscular dystrophy. Last evaluated: 2021-10-25. Review status: criteria provided, single submitter. Criteria: ACMG Guidelines, 2015. Collection method: clinical testing. Allele origin: germline. Affected: no.

Genome-Nilou Lab
Classification: Benign for Epidermolysis bullosa simplex 5C, with pyloric atresia. Last evaluated: 2021-10-25. Review status: criteria provided, single submitter. Criteria: ACMG Guidelines, 2015. Collection method: clinical testing. Allele origin: germline. Affected: no.

Genome-Nilou Lab
Classification: Benign for Autosomal recessive limb-girdle muscular dystrophy type 2Q. Last evaluated: 2021-10-25. Review status: criteria provided, single submitter. Criteria: ACMG Guidelines, 2015. Collection method: clinical testing. Allele origin: germline. Affected: no.

GeneDx
Classification: Benign. Last evaluated: 2018-06-19. Review status: criteria provided, single submitter. Criteria: GeneDx Variant Classification (06012015). Collection method: clinical testing. Allele origin: germline. Affected: yes.
Comment: This variant is considered likely benign or benign based on one or more of the following criteria: it is a conservative change, it occurs at a poorly conserved position in the protein, it is predicted to be benign by multiple in silico algorithms, and/or has population frequency not consistent with disease.

Breakthrough Genomics
Classification: Benign. Review status: criteria provided, single submitter. Criteria: ACMG Guidelines, 2015. Collection method: not provided. Allele origin: germline. Inheritance: Autosomal recessive inheritance. Affected: yes.

PreventionGenetics, part of Exact Sciences
Classification: Benign. Review status: criteria provided, single submitter. Criteria: ACMG Guidelines, 2015. Collection method: clinical testing. Allele origin: germline.